The following is an entry in ClinVar:

NM_002528.7(NTHL1):c.349C>A (p.Pro117Thr)

Gene: NTHL1 (nth like DNA glycosylase 1; minus strand). Cytogenetic location: 16p13.3.
Variant type: single nucleotide variant.
Coding change: c.349C>A on transcript NM_002528.7 (MANE Select); coding-DNA position 349, C replaced by A.
Protein change: p.Pro117Thr; replaces proline 117 with threonine.
Molecular consequence: missense variant. On other transcripts: intron variant (1).
Genome position (GRCh38, 1-based): chr16:2,046,133, G>T on the plus strand (C>A on the coding strand, the complement: NTHL1 is on the minus strand). VCF-style: chr16-2046133-G-T. GRCh37 (hg19) VCF-style: chr16-2096134-G-T.
Other names: c.349C>A, p.Pro117Thr (NM_001318193.2); c.24+147C>A (NM_001318194.2); c.373C>A (NM_002528.5); short protein forms P117T.
Identifiers: ClinVar variation 851087 (VCV000851087.23), dbSNP rs149277519, ClinGen allele CA7828313.
Genomic context (GRCh38, chr16:2,046,133, plus strand): 5'-AACAAGGACCTTGCTAAGATGGGGGGTCATCTGGGCAGATGGGGCCCCTGCCTACCTTTG[G>T]GGGGGCACTGGAGTCATAGCAGTGCTCAGTCCCCAGATGGTCCACAGGTGCATCCTTTTT-3'
Protein context (NP_002519.2, residues 107-127): TEHCYDSSAP[Pro117Thr]KVRRYQVLLS

ClinVar aggregate classification (germline): Uncertain significance. Review status: criteria provided, multiple submitters, no conflicts (2 of 4 stars). 5 submissions from 5 submitters: Uncertain significance (5). Last evaluated 2025-12-26.

Conditions:
Familial adenomatous polyposis 3. Also called: NTHL1-related attenuated familial adenomatous polyposis; NTHL1-Related Adenomatous Polyposis and Colorectal Cancer; NTHL1-associated polyposis; NTHL1 Tumor Syndrome. Identifiers: Orphanet 220460, Orphanet 454840, MedGen C4225157, MONDO:0014630, OMIM 616415.
Hereditary cancer-predisposing syndrome. Also called: Neoplastic Syndromes, Hereditary; Hereditary neoplastic syndrome; Tumor predisposition; Hereditary Cancer Syndrome. Identifiers: Orphanet 140162, MedGen C0027672, MeSH D009386, MONDO:0015356.

Allele frequency attached by ClinVar (database versions not stated): TOPMed 0.00002.
gnomAD v4.1: 29 of 1,611,778 alleles (0.0018%); highest among the groups gnomAD compares: South Asian, 0.018%; no homozygotes.

Submissions (5):

Labcorp Genetics (formerly Invitae), Labcorp
Classification: Uncertain significance. Last evaluated: 2025-12-26. Review status: criteria provided, single submitter. Criteria: Invitae Variant Classification Sherloc (09022015). Collection method: clinical testing. Allele origin: germline.
Comment: This sequence change replaces proline, which is neutral and non-polar, with threonine, which is neutral and polar, at codon 125 of the NTHL1 protein (p.Pro125Thr). This variant is present in population databases (rs149277519, gnomAD 0.01%). This missense change has been observed in individual(s) with esophageal squamous cell carcinoma (PMID: 30833958). ClinVar contains an entry for this variant (Variation ID: 851087). An algorithm developed to predict the effect of missense changes on protein structure and function (PolyPhen-2) suggests that this variant is likely to be tolerated. In summary, the available evidence is currently insufficient to determine the role of this variant in disease. Therefore, it has been classified as a Variant of Uncertain Significance.

Center for Genomic Medicine, Rigshospitalet, Copenhagen University Hospital
Classification: Uncertain significance. Last evaluated: 2025-03-04. Review status: criteria provided, single submitter. Criteria: ACMG Guidelines, 2015. Collection method: clinical testing. Allele origin: germline.

Ambry Genetics
Classification: Uncertain significance for Hereditary cancer-predisposing syndrome. Last evaluated: 2025-01-17. Review status: criteria provided, single submitter. Criteria: Ambry Variant Classification Scheme 2023. Collection method: clinical testing. Allele origin: germline.
Comment: The p.P125T variant (also known as c.373C>A), located in coding exon 2 of the NTHL1 gene, results from a C to A substitution at nucleotide position 373. The proline at codon 125 is replaced by threonine, an amino acid with highly similar properties. This alteration has been reported in a patient with esophageal squamous cell carcinoma (Deng J et al. Front Genet, 2019 Feb;10:47). This amino acid position is well conserved in available vertebrate species. In addition, the in silico prediction for this alteration is inconclusive. Based on the available evidence, the clinical significance of this variant remains unclear.

Baylor Genetics
Classification: Uncertain significance for Familial adenomatous polyposis 3. Last evaluated: 2024-03-29. Review status: criteria provided, single submitter. Criteria: ACMG Guidelines, 2015. Collection method: clinical testing. Allele origin: unknown.

St. Jude Molecular Pathology, St. Jude Children's Research Hospital
Classification: Uncertain significance for Familial adenomatous polyposis 3. Last evaluated: 2021-11-11. Review status: criteria provided, single submitter. Criteria: St. Jude Assertion Criteria 2020. Collection method: clinical testing. Allele origin: germline.
Comment: The NTHL1 c.373C>A (p.Pro125Thr) missense change has a maximum subpopulation frequency of 0.013% in gnomAD v2.1.1. Seven of seven in silico tools predict a deleterious effect of this variant on protein function (PP3), but to our knowledge these predictions have not been confirmed by functional assays. To our knowledge, this variant has not been reported in individuals with NTHL1-related disease. In summary, this variant meets criteria to be classified as of uncertain significance based on the ACMG/AMP criteria: PP3.

Literature cited by the submitters: PubMed 30833958 (cited by Labcorp Genetics (formerly Invitae), Labcorp and Ambry Genetics).